The following is an entry in ClinVar:

ClinVar aggregate classification (germline): Pathogenic (1 of 4 stars; one submission).

Conditions:
Familial intrahepatic cholestasis. Identifiers: Orphanet 284385, MedGen CN296401, MONDO:0017290.

Submission:

Genomenon, Inc
Classification: Pathogenic for Familial intrahepatic cholestasis. Last evaluated: 2026-04-14. Review status: criteria provided, single submitter. Criteria: Genomenon Sequence Variant Interpretation Standards - Updated. Collection method: curation. Allele origin: germline. Affected: yes.
Comment: ABCB4 p.Leu445GlyfsTer22 (c.1330_1331dup) is a frameshift variant that results in the production of a truncated protein which is predicted to undergo nonsense-mediated mRNA decay. This variant has been shown to be significantly associated with ABCB4-related phenotypes in the Icelandic population (PMID:30504769;25807286). In conclusion, we classify ABCB4 p.Leu445GlyfsTer22 (c.1330_1331dup) as a pathogenic variant.

Literature cited by the submitters: PubMed 30504769; PubMed 25807286.

NM_000443.4(ABCB4):c.1330_1331dup (p.Leu445fs)

Gene: ABCB4 (ATP binding cassette subfamily B member 4; minus strand). Cytogenetic location: 7q21.12.
Variant type: Microsatellite.
Coding change: c.1330_1331dup on transcript NM_000443.4 (MANE Select); coding-DNA positions 1330 to 1331, 2 bases duplicated (AG; older notation c.1330_1331dupAG).
Protein change: p.Leu445fs; shifts the reading frame from leucine 445.
Molecular consequence: frameshift variant.
Genome position (GRCh38, 1-based): chr7:87,443,344-87,443,345, CT duplicated on the plus strand (AG on the coding strand, the reverse complement: ABCB4 is on the minus strand); duplicating any 2 consecutive bases within chr7:87,443,344-87,443,347 gives the same sequence; the c. name uses the placement nearest the transcript's 3' end. VCF-style (leftmost placement, unchanged base first): chr7-87443343-C-CCT. GRCh37 (hg19) VCF-style: chr7-87072659-C-CCT.
Other names: c.1330_1331dup, p.Leu445fs (NM_018849.3, NM_018850.3); short protein forms L445fs.
Identifiers: ClinVar variation 4846536 (VCV004846536.1).